The following is an entry in ClinVar:

ClinVar aggregate classification (germline): Uncertain significance (1 of 4 stars; one submission).

Conditions:
Generalized epilepsy with febrile seizures plus, type 9 (GEFSP9). Also called: GEFS+, TYPE 9. Identifiers: Orphanet 36387, MedGen C4015395, MONDO:0014517, OMIM 616172.

Submission:

Labcorp Genetics (formerly Invitae), Labcorp
Classification: Uncertain significance for Generalized epilepsy with febrile seizures plus, type 9. Last evaluated: 2018-11-17. Review status: criteria provided, single submitter. Criteria: Invitae Variant Classification Sherloc (09022015). Collection method: clinical testing. Allele origin: germline.
Comment: In summary, the available evidence is currently insufficient to determine the role of this variant in disease. Therefore, it has been classified as a Variant of Uncertain Significance. Algorithms developed to predict the effect of missense changes on protein structure and function (SIFT, PolyPhen-2, Align-GVGD) all suggest that this variant is likely to be tolerated, but these predictions have not been confirmed by published functional studies and their clinical significance is uncertain. This variant has not been reported in the literature in individuals with STX1B-related disease. This variant is not present in population databases (ExAC no frequency). This sequence change replaces serine with proline at codon 281 of the STX1B protein (p.Ser281Pro). The serine residue is moderately conserved and there is a moderate physicochemical difference between serine and proline.

NM_052874.5(STX1B):c.841T>C (p.Ser281Pro)

Gene: STX1B (syntaxin 1B; minus strand). Cytogenetic location: 16p11.2.
Variant type: single nucleotide variant.
Coding change: c.841T>C on transcript NM_052874.5 (MANE Select); coding-DNA position 841, T replaced by C.
Protein change: p.Ser281Pro; replaces serine 281 with proline.
Molecular consequence: missense variant.
Genome position (GRCh38, 1-based): chr16:30,992,847, A>G on the plus strand (T>C on the coding strand, the complement: STX1B is on the minus strand). VCF-style: chr16-30992847-A-G. GRCh37 (hg19) VCF-style: chr16-31004168-A-G.
Other names: short protein forms S281P.
Identifiers: ClinVar variation 656407 (VCV000656407.8), dbSNP rs1596714288, ClinGen allele CA395645872.